The following is an entry in ClinVar:

ClinVar aggregate classification (germline): Conflicting classifications of pathogenicity. Review status: criteria provided, conflicting classifications (1 of 4 stars). 3 submissions from 3 submitters: Uncertain significance (1); Likely benign (2). Last evaluated 2025-01-01.

Conditions:
Inborn genetic diseases. Identifiers: MedGen C0950123, MeSH D030342.

Allele frequency attached by ClinVar (database versions not stated): gnomAD exomes 0.00017; ExAC 0.00019; ESP Exome Variant Server 0.00019; gnomAD 0.00032; TOPMed 0.00040.

Submissions (3):

CeGaT Center for Human Genetics Tuebingen
Classification: Likely benign. Last evaluated: 2025-01-01. Review status: criteria provided, single submitter. Criteria: CeGaT Center For Human Genetics Tuebingen Variant Classification Criteria Version 2. Collection method: clinical testing. Allele origin: germline. Affected: yes. Observed: 4 variant alleles.
Comment: ARR3: BP4, BS2

Ambry Genetics
Classification: Uncertain significance for Inborn genetic diseases. Last evaluated: 2024-12-28. Review status: criteria provided, single submitter. Criteria: Ambry Variant Classification Scheme 2023. Collection method: clinical testing. Allele origin: germline.

Blueprint Genetics
Classification: Likely benign. Last evaluated: 2024-09-25. Review status: criteria provided, single submitter. Criteria: ACMG Guidelines, 2015. Collection method: clinical testing. Allele origin: germline.

NM_004312.3(ARR3):c.577C>T (p.Pro193Ser)

Gene: ARR3 (arrestin 3; plus strand). Cytogenetic location: Xq13.1.
Variant type: single nucleotide variant.
Coding change: c.577C>T on transcript NM_004312.3 (MANE Select); coding-DNA position 577, C replaced by T.
Protein change: p.Pro193Ser; replaces proline 193 with serine.
Molecular consequence: missense variant.
Genome position (GRCh38, 1-based): chrX:70,277,497, C>T. VCF-style: chrX-70277497-C-T. GRCh37 (hg19) VCF-style: chrX-69497347-C-T.
Other names: c.577C>T (NM_004312.2); short protein forms P193S.
Identifiers: ClinVar variation 2660807 (VCV002660807.26), dbSNP rs142364440, ClinGen allele CA10440407.